The following is an entry in ClinVar:

ClinVar aggregate classification (germline): Pathogenic (1 of 4 stars; one submission).

Conditions:
VPS13A-related neurodegenerative disease. Also called: ACANTHOCYTOSIS WITH NEUROLOGIC DISORDER; LEVINE-CRITCHLEY SYNDROME; Choreoacanthocytosis; Chorea-acanthocytosis; Choreaacanthocytosis; VPS13A Disease. Identifiers: Orphanet 2388, MedGen C0393576, MONDO:0008695, OMIM 200150.

Submission:

Myriad Genetics, Inc.
Classification: Pathogenic for VPS13A-related neurodegenerative disease. Last evaluated: 2025-01-28. Review status: criteria provided, single submitter. Criteria: Myriad Autosomal Dominant, Autosomal Recessive and X-Linked Classification Criteria (2023). Collection method: clinical testing. Allele origin: unknown.
Comment: NM_033305.2(VPS13A):c.8494dupT(Y2832Lfs*12) is expected to be pathogenic in the context of VPS13A disease. This variant is predicted to lead to an abnormal or absent protein product due to the creation of a premature termination codon in VPS13A, a gene where loss-of-function variants are known to be pathogenic. Please note: this variant was assessed in the context of healthy population screening.

NM_033305.3(VPS13A):c.8494dup (p.Tyr2832fs)

Gene: VPS13A (vacuolar protein sorting 13 homolog A; plus strand). Cytogenetic location: 9q21.2.
Variant type: Duplication.
Coding change: c.8494dup on transcript NM_033305.3 (MANE Select); coding-DNA position 8494, one base duplicated (T; older notation c.8494dupT).
Protein change: p.Tyr2832fs; shifts the reading frame from tyrosine 2832.
Molecular consequence: frameshift variant.
Genome position (GRCh38, 1-based): chr9:77,368,077, T duplicated. VCF-style (leftmost placement, unchanged base first): chr9-77368076-C-CT. GRCh37 (hg19) VCF-style: chr9-79982992-C-CT.
Other names: c.8377dup, p.Tyr2793fs (NM_001018037.2); c.8494dup, p.Tyr2832fs (NM_001018038.3, NM_015186.4); short protein forms Y2793fs, Y2832fs.
Identifiers: ClinVar variation 5014029 (VCV005014029.1).